The following is an entry in ClinVar:

NM_001278716.2(FBXL4):c.1190C>A (p.Ser397Tyr)

Gene: FBXL4 (F-box and leucine rich repeat protein 4; minus strand). Cytogenetic location: 6q16.1.
Variant type: single nucleotide variant.
Coding change: c.1190C>A on transcript NM_001278716.2 (MANE Select); coding-DNA position 1190, C replaced by A.
Protein change: p.Ser397Tyr; replaces serine 397 with tyrosine.
Molecular consequence: missense variant. On other transcripts: non-coding transcript variant (2).
Genome position (GRCh38, 1-based): chr6:98,899,395, G>T on the plus strand (C>A on the coding strand, the complement: FBXL4 is on the minus strand). VCF-style: chr6-98899395-G-T. GRCh37 (hg19) VCF-style: chr6-99347271-G-T.
Other names: c.1190C>A, p.Ser397Tyr (NM_012160.5); short protein forms S397Y.
Identifiers: ClinVar variation 437709 (VCV000437709.1), dbSNP rs560726469, ClinGen allele CA3933507.

ClinVar aggregate classification (germline): Uncertain significance (1 of 4 stars; one submission).

Conditions:
Mitochondrial DNA depletion syndrome 13. Also called: FBXL4-Related Encephalomyopathic Mitochondrial DNA Depletion Syndrome; Mitochondrial DNA depletion syndrome 13 (encephalomyopathic type). Identifiers: Orphanet 369897, MedGen C3809592, MONDO:0014198, OMIM 615471.

Allele frequency attached by ClinVar (database versions not stated): gnomAD 0.00003 and 0.00002; TOPMed 0.00004; 1000 Genomes Project 0.00020; 1000 Genomes Project 30x 0.00031; gnomAD exomes below 0.00001; ExAC 0.00001.
gnomAD v4.1: 6 of 1,613,966 alleles (0.00037%); highest among the groups gnomAD compares: African/African-American, 0.008%; no homozygotes.

Submission:

Wong Mito Lab, Molecular and Human Genetics, Baylor College of Medicine
Classification: Uncertain significance for Mitochondrial DNA depletion syndrome 13. Last evaluated: 2017-08-10. Review status: criteria provided, single submitter. Criteria: ACMG Guidelines, 2015. Collection method: reference population. Allele origin: germline.
Comment: The NM_012160.4:c.1190C>A (NP_036292.2:p.Ser397Tyr) [GRCH38: NC_000006.12:g.98899395G>T] variant in FBXL4 gene is interpretated to be a Uncertain Significance - Insufficient Evidence based on ACMG guidelines (PMID: 25741868). This variant meets one or more of the following evidence codes reported in the ACMG-guideline. PM2:This variant is absent in key population databases. Based on this evidence code ClinGen Pathogenicity Calculator (PMID:28081714) suggested that the variant is Uncertain Significance - Insufficient Evidence.